The following is an entry in ClinVar:

NM_000117.3(EMD):c.82G>A (p.Gly28Arg)

Gene: EMD (emerin; plus strand). Cytogenetic location: Xq28.
Variant type: single nucleotide variant.
Coding change: c.82G>A on transcript NM_000117.3 (MANE Select); coding-DNA position 82, G replaced by A.
Protein change: p.Gly28Arg; replaces glycine 28 with arginine.
Molecular consequence: missense variant.
Genome position (GRCh38, 1-based): chrX:154,379,566, G>A. VCF-style: chrX-154379566-G-A. GRCh37 (hg19) VCF-style: chrX-153607926-G-A.
Other names: short protein forms G28R.
Identifiers: ClinVar variation 425517 (VCV000425517.52), dbSNP rs1064797380, ClinGen allele CA16621905.

ClinVar aggregate classification (germline): Conflicting classifications of pathogenicity. Review status: criteria provided, conflicting classifications (1 of 4 stars). 3 submissions from 3 submitters: Likely pathogenic (2); Uncertain significance (1). Last evaluated 2024-04-05.

Conditions:
X-linked Emery-Dreifuss muscular dystrophy. Also called: Muscular dystrophy, tardive Emery-Dreifuss type, with contractures. Identifiers: Orphanet 261, Orphanet 98863, MedGen C0751337, MONDO:0010680.
Cardiovascular phenotype. Identifiers: MedGen CN230736.

Submissions (3):

Labcorp Genetics (formerly Invitae), Labcorp
Classification: Uncertain significance for X-linked Emery-Dreifuss muscular dystrophy. Last evaluated: 2024-04-05. Review status: criteria provided, single submitter. Criteria: Invitae Variant Classification Sherloc (09022015). Collection method: clinical testing. Allele origin: germline.
Comment: This sequence change replaces glycine, which is neutral and non-polar, with arginine, which is basic and polar, at codon 28 of the EMD protein (p.Gly28Arg). This variant also falls at the last nucleotide of exon 1, which is part of the consensus splice site for this exon. This variant is not present in population databases (gnomAD no frequency). This variant has not been reported in the literature in individuals affected with EMD-related conditions. ClinVar contains an entry for this variant (Variation ID: 425517). An algorithm developed to predict the effect of missense changes on protein structure and function (PolyPhen-2) suggests that this variant is likely to be disruptive. Variants that disrupt the consensus splice site are a relatively common cause of aberrant splicing (PMID: 17576681, 9536098). Algorithms developed to predict the effect of sequence changes on RNA splicing suggest that this variant may disrupt the consensus splice site. In summary, the available evidence is currently insufficient to determine the role of this variant in disease. Therefore, it has been classified as a Variant of Uncertain Significance.

Ambry Genetics
Classification: Likely pathogenic for Cardiovascular phenotype. Last evaluated: 2023-08-01. Review status: criteria provided, single submitter. Criteria: Ambry Variant Classification Scheme 2023. Collection method: clinical testing. Allele origin: germline.
Comment: The c.82G>A variant (also known as p.G28R), located in coding exon 1 of the EMD gene, results from a G to A substitution at nucleotide position 82. The amino acid change results in glycine to arginine at codon 28, an amino acid with dissimilar properties. However, this change occurs in the last base pair of coding exon 1, which makes it likely to have some effect on normal mRNA splicing. In silico splice site analysis predicts that this alteration will weaken the native splice donor site and will result in the creation or strengthening of a novel splice donor site. RNA studies have demonstrated that this alteration results in abnormal splicing in the set of samples tested (Ambry internal data). This variant is considered to be rare based on population cohorts in the Genome Aggregation Database (gnomAD). This nucleotide position is highly conserved in available vertebrate species. Based on the majority of available evidence to date, this variant is likely to be pathogenic.

CeGaT Center for Human Genetics Tuebingen
Classification: Likely pathogenic. Last evaluated: 2016-11-01. Review status: criteria provided, single submitter. Criteria: CeGaT Center For Human Genetics Tuebingen Variant Classification Criteria Version 2. Collection method: clinical testing. Allele origin: germline. Affected: yes. Observed: 1 variant allele.

Literature cited by the submitters: PubMed 17576681 (cited by Labcorp Genetics (formerly Invitae), Labcorp); PubMed 9536098 (cited by Labcorp Genetics (formerly Invitae), Labcorp).